The following is an entry in ClinVar:

ClinVar aggregate classification (germline): Uncertain significance. Review status: criteria provided, multiple submitters, no conflicts (2 of 4 stars). 2 submissions from 2 submitters: Uncertain significance (2). Last evaluated 2025-07-01.

Conditions:
Inborn genetic diseases. Identifiers: MedGen C0950123, MeSH D030342.

Allele frequency attached by ClinVar (database versions not stated): ExAC 0.00005; TOPMed 0.00011; gnomAD 0.00013; 1000 Genomes Project 30x 0.00016; 1000 Genomes Project 0.00020.

Submissions (2):

Ambry Genetics
Classification: Uncertain significance for Inborn genetic diseases. Last evaluated: 2025-07-01. Review status: criteria provided, single submitter. Criteria: Ambry Variant Classification Scheme 2023. Collection method: clinical testing. Allele origin: germline.

Labcorp Genetics (formerly Invitae), Labcorp
Classification: Uncertain significance. Last evaluated: 2024-08-27. Review status: criteria provided, single submitter. Criteria: Invitae Variant Classification Sherloc (09022015). Collection method: clinical testing. Allele origin: germline.
Comment: This sequence change replaces asparagine, which is neutral and polar, with serine, which is neutral and polar, at codon 54 of the ANO6 protein (p.Asn54Ser). This variant is present in population databases (rs200785570, gnomAD 0.01%). This variant has not been reported in the literature in individuals affected with ANO6-related conditions. ClinVar contains an entry for this variant (Variation ID: 2048494). Invitae Evidence Modeling of protein sequence and biophysical properties (such as structural, functional, and spatial information, amino acid conservation, physicochemical variation, residue mobility, and thermodynamic stability) indicates that this missense variant is not expected to disrupt ANO6 protein function with a negative predictive value of 95%. In summary, the available evidence is currently insufficient to determine the role of this variant in disease. Therefore, it has been classified as a Variant of Uncertain Significance.

NM_001025356.3(ANO6):c.161A>G (p.Asn54Ser)

Gene: ANO6 (anoctamin 6; plus strand). Cytogenetic location: 12q12.
Variant type: single nucleotide variant.
Coding change: c.161A>G on transcript NM_001025356.3 (MANE Select); coding-DNA position 161, A replaced by G.
Protein change: p.Asn54Ser; replaces asparagine 54 with serine.
Molecular consequence: missense variant.
Genome position (GRCh38, 1-based): chr12:45,331,305, A>G. VCF-style: chr12-45331305-A-G. GRCh37 (hg19) VCF-style: chr12-45725088-A-G.
Other names: c.161A>G (NM_001025356.2); c.107A>G, p.Asn36Ser (NM_001142678.2); c.161A>G, p.Asn54Ser (NM_001142679.2); c.224A>G, p.Asn75Ser (NM_001204803.2); c.128A>G, p.Asn43Ser (NM_001410973.1); short protein forms N54S, N36S, N43S, N75S.
Identifiers: ClinVar variation 2048494 (VCV002048494.5), dbSNP rs200785570, ClinGen allele CA6524912.